The following is an entry in ClinVar:

ClinVar aggregate classification (germline): Uncertain significance (1 of 4 stars; one submission).

Allele frequency attached by ClinVar (database versions not stated): gnomAD exomes below 0.00001.
gnomAD v4.1: 5 of 1,608,734 alleles (0.00031%); highest among the groups gnomAD compares: Non-Finnish European, 0.00025%; no homozygotes.

Submission:

Labcorp Genetics (formerly Invitae), Labcorp
Classification: Uncertain significance. Last evaluated: 2022-08-23. Review status: criteria provided, single submitter. Criteria: Invitae Variant Classification Sherloc (09022015). Collection method: clinical testing. Allele origin: germline.
Comment: This variant has not been reported in the literature in individuals affected with COL27A1-related conditions. This variant is not present in population databases (gnomAD no frequency). Advanced modeling of protein sequence and biophysical properties (such as structural, functional, and spatial information, amino acid conservation, physicochemical variation, residue mobility, and thermodynamic stability) performed at Invitae indicates that this missense variant is not expected to disrupt COL27A1 protein function. In summary, the available evidence is currently insufficient to determine the role of this variant in disease. Therefore, it has been classified as a Variant of Uncertain Significance. This sequence change replaces glutamine, which is neutral and polar, with arginine, which is basic and polar, at codon 1179 of the COL27A1 protein (p.Gln1179Arg).

NM_032888.4(COL27A1):c.3536A>G (p.Gln1179Arg)

Gene: COL27A1 (collagen type XXVII alpha 1 chain; plus strand). Cytogenetic location: 9q32.
Variant type: single nucleotide variant.
Coding change: c.3536A>G on transcript NM_032888.4 (MANE Select); coding-DNA position 3536, A replaced by G.
Protein change: p.Gln1179Arg; replaces glutamine 1179 with arginine.
Molecular consequence: missense variant.
Genome position (GRCh38, 1-based): chr9:114,269,275, A>G. VCF-style: chr9-114269275-A-G. GRCh37 (hg19) VCF-style: chr9-117031555-A-G.
Other names: short protein forms Q1179R.
Identifiers: ClinVar variation 2428488 (VCV002428488.6), dbSNP rs2491437007, ClinGen allele CA374597523.
Genomic context (GRCh38, chr9:114,269,275, plus strand): 5'-AAGGACTTTTGTTCGGCTTCTCCTAGGGTGACCTTGGACCCCTGGGCACTCCTGGGGAGC[A>G]GGGCCTCATTGGGCAACGGGTAAGTTGAAGCAATTTATTCTTCCTGAAAGCCCCCAGGGT-3'
Protein context (NP_116277.2, residues 1169-1189): DLGPLGTPGE[Gln1179Arg]GLIGQRGEPG